The following is an entry in ClinVar:

NM_139027.6(ADAMTS13):c.1551G>C (p.Gly517=)

Gene: ADAMTS13 (ADAM metallopeptidase with thrombospondin type 1 motif 13; plus strand). Cytogenetic location: 9q34.2.
Variant type: single nucleotide variant.
Coding change: c.1551G>C on transcript NM_139027.6 (MANE Select); coding-DNA position 1551, G replaced by C.
Protein change: p.Gly517=; no amino-acid change (glycine 517 retained).
Molecular consequence: synonymous variant.
Genome position (GRCh38, 1-based): chr9:133,437,864, G>C. VCF-style: chr9-133437864-G-C. GRCh37 (hg19) VCF-style: chr9-136302984-G-C.
Other names: p.Gly517=; c.1551G>C, p.Gly517= (NM_139025.5); c.1458G>C, p.Gly486= (NM_139026.6).
Identifiers: ClinVar variation 365548 (VCV000365548.32), dbSNP rs148472763, ClinGen allele CA10633057.

ClinVar aggregate classification (germline): Conflicting classifications of pathogenicity. Review status: criteria provided, conflicting classifications (1 of 4 stars). 5 submissions from 5 submitters: Uncertain significance (1); Likely benign (4). Last evaluated 2026-01-11.

Conditions:
Upshaw-Schulman syndrome (TTP). Also called: Congenital thrombotic thrombocytopenic purpura; THROMBOTIC THROMBOCYTOPENIC PURPURA, HEREDITARY. Identifiers: Orphanet 93583, MedGen C1268935, MONDO:0010122, OMIM 274150.

Allele frequency attached by ClinVar (database versions not stated): 1000 Genomes Project 0.00040; gnomAD 0.00043 and 0.00046; 1000 Genomes Project 30x 0.00047; ESP Exome Variant Server 0.00092; TOPMed 0.00069.

Submissions (5):

Labcorp Genetics (formerly Invitae), Labcorp
Classification: Likely benign. Last evaluated: 2026-01-11. Review status: criteria provided, single submitter. Criteria: Invitae Variant Classification Sherloc (09022015). Collection method: clinical testing. Allele origin: germline.

Mayo Clinic Laboratories, Mayo Clinic
Classification: Likely benign. Last evaluated: 2025-09-05. Review status: criteria provided, single submitter. Criteria: ACMG Guidelines, 2015. Collection method: clinical testing. Allele origin: germline. Observed: 3 variant alleles.
Comment: BS1, BP4, BP7

CeGaT Center for Human Genetics Tuebingen
Classification: Likely benign. Last evaluated: 2025-05-01. Review status: criteria provided, single submitter. Criteria: CeGaT Center For Human Genetics Tuebingen Variant Classification Criteria Version 2. Collection method: clinical testing. Allele origin: germline. Affected: yes. Observed: 2 variant alleles.
Comment: ADAMTS13: BP4, BP7

Blueprint Genetics
Classification: Likely benign. Last evaluated: 2024-11-19. Review status: criteria provided, single submitter. Criteria: ACMG Guidelines, 2015. Collection method: clinical testing. Allele origin: germline.

Illumina Laboratory Services, Illumina
Classification: Uncertain significance for Upshaw-Schulman syndrome. Last evaluated: 2018-01-13. Review status: criteria provided, single submitter. Criteria: ICSL Variant Classification Criteria 13 December 2019. Collection method: clinical testing. Allele origin: germline.